The following is an entry in ClinVar:

ClinVar aggregate classification (germline): Likely benign. Review status: criteria provided, multiple submitters, no conflicts (2 of 4 stars). 4 submissions from 4 submitters: Likely benign (3). 1 of the submissions does not count toward it. Last evaluated 2024-10-09.

Conditions:
VWF-related disorder. Also called: VWF-related disorders; VWF-related condition.

Allele frequency attached by ClinVar (database versions not stated): gnomAD exomes 0.00008; ExAC 0.00013; ESP Exome Variant Server 0.00031; TOPMed 0.00035; gnomAD 0.00036 and 0.00038; 1000 Genomes Project 0.00040; 1000 Genomes Project 30x 0.00047.
gnomAD v4.1: 164 of 1,614,146 alleles (0.01%); highest among the groups gnomAD compares: African/African-American, 0.12%; 1 homozygote.

Submissions (4):

Blueprint Genetics
Classification: Likely benign. Last evaluated: 2024-10-09. Review status: criteria provided, single submitter. Criteria: ACMG Guidelines, 2015. Collection method: clinical testing. Allele origin: germline.

Women's Health and Genetics/Laboratory Corporation of America, LabCorp
Classification: Likely benign. Last evaluated: 2024-06-14. Review status: criteria provided, single submitter. Criteria: LabCorp Variant Classification Summary - May 2015. Collection method: clinical testing. Allele origin: germline.

Quest Diagnostics Nichols Institute San Juan Capistrano
Classification: Likely benign. Last evaluated: 2018-01-25. Review status: criteria provided, single submitter. Criteria: Quest Diagnostics criteria. Collection method: clinical testing. Allele origin: germline.

PreventionGenetics, part of Exact Sciences
Classification: Likely benign for VWF-related condition. Last evaluated: 2023-12-20. Review status: no assertion criteria provided. Collection method: clinical testing. Allele origin: germline. Not counted in ClinVar's aggregate classification.
Comment: This variant is classified as likely benign based on ACMG/AMP sequence variant interpretation guidelines (Richards et al. 2015 PMID: 25741868, with internal and published modifications).

NM_000552.5(VWF):c.1410C>T (p.Asp470=)

Gene: VWF (von Willebrand factor; minus strand). Cytogenetic location: 12p13.31.
Variant type: single nucleotide variant.
Coding change: c.1410C>T on transcript NM_000552.5 (MANE Select); coding-DNA position 1410, C replaced by T.
Protein change: p.Asp470=; no amino-acid change (aspartic acid 470 retained).
Molecular consequence: synonymous variant.
Genome position (GRCh38, 1-based): chr12:6,064,268, G>A on the plus strand (C>T on the coding strand, the complement: VWF is on the minus strand). VCF-style: chr12-6064268-G-A. GRCh37 (hg19) VCF-style: chr12-6173434-G-A.
Other names: c.1410C>T (NM_000552.4).
Identifiers: ClinVar variation 619928 (VCV000619928.7), dbSNP rs111867665, ClinGen allele CA6403434.
Genomic context (GRCh38, chr12:6,064,268, plus strand): 5'-TGCCAGCCCCAGGCCTGATGGAGCAGGACGAAGCATACCTTTCAGGAGGGGGAGCTGGAC[G>A]TCCTGGCCATCCATGGCAACTCCTGCCCCATGCTTCAGTTTCACAAGGCTGTTGTGCAGG-3'
Protein context (NP_000543.3, residues 460-480): HGAGVAMDGQ[Asp470=]VQLPLLKGDL